The following is an entry in ClinVar:

ClinVar aggregate classification (germline): Likely benign. Review status: criteria provided, multiple submitters, no conflicts (2 of 4 stars). 2 submissions from 2 submitters: Likely benign (2). Last evaluated 2026-05-19.

Conditions:
TTN-related disorder. Also called: TTN-related disorders; TTN-related condition; TTN-related disease.
Cardiovascular phenotype. Identifiers: MedGen CN230736.

gnomAD v4.1: 22 of 1,607,096 alleles (0.0014%); highest among the groups gnomAD compares: African/African-American, 0.0067%; no homozygotes.

Submissions (2):

PreventionGenetics, part of Exact Sciences
Classification: Likely benign for TTN-related condition. Last evaluated: 2026-05-19. Review status: criteria provided, single submitter. Criteria: ACMG Guidelines, 2015. Collection method: clinical testing. Allele origin: germline.
Comment: This variant is classified as likely benign based on ACMG/AMP sequence variant interpretation guidelines (Richards et al. 2015 PMID: 25741868, with internal and published modifications).

Ambry Genetics
Classification: Likely benign for Cardiovascular phenotype. Last evaluated: 2025-08-31. Review status: criteria provided, single submitter. Criteria: Ambry Variant Classification Scheme 2023. Collection method: clinical testing. Allele origin: germline.

NM_001267550.2(TTN):c.66117C>T (p.Gly22039=)

Genes: TTN (titin; minus strand), TTN-AS1 (TTN antisense RNA 1; plus strand). Cytogenetic location: 2q31.2.
Variant type: single nucleotide variant.
Coding change: c.66117C>T on transcript NM_001267550.2 (MANE Select); coding-DNA position 66117, C replaced by T.
Protein change: p.Gly22039=; no amino-acid change (glycine 22039 retained).
Molecular consequence: synonymous variant.
Genome position (GRCh38, 1-based): chr2:178,582,339, G>A on the plus strand (C>T on the coding strand, the complement: TTN is on the minus strand). VCF-style: chr2-178582339-G-A. GRCh37 (hg19) VCF-style: chr2-179447066-G-A.
Other names: c.58413C>T, p.Gly19471= (NM_133378.4); c.39297C>T, p.Gly13099= (NM_133432.3); c.39498C>T, p.Gly13166= (NM_133437.4); c.61194C>T, p.Gly20398= (NM_001256850.1); c.38922C>T, p.Gly12974= (NM_003319.4).
Identifiers: ClinVar variation 4193688 (VCV004193688.2).